The following is an entry in ClinVar:

ClinVar aggregate classification (germline): Uncertain significance (1 of 4 stars; one submission).

Conditions:
Hypertrophic cardiomyopathy 14. Identifiers: MedGen C2750467, MONDO:0013197, OMIM 613251.

Allele frequency attached by ClinVar (database versions not stated): gnomAD exomes below 0.00001.
gnomAD v4.1: 1 of 1,613,842 alleles (0.000062%); highest among the groups gnomAD compares: Non-Finnish European, 0.000085%; no homozygotes.

Submission:

Labcorp Genetics (formerly Invitae), Labcorp
Classification: Uncertain significance for Hypertrophic cardiomyopathy 14. Last evaluated: 2021-12-21. Review status: criteria provided, single submitter. Criteria: Invitae Variant Classification Sherloc (09022015). Collection method: clinical testing. Allele origin: germline.
Comment: In summary, the available evidence is currently insufficient to determine the role of this variant in disease. Therefore, it has been classified as a Variant of Uncertain Significance. Algorithms developed to predict the effect of missense changes on protein structure and function are either unavailable or do not agree on the potential impact of this missense change (SIFT: "Tolerated"; PolyPhen-2: "Possibly Damaging"; Align-GVGD: "Class C0"). This variant has not been reported in the literature in individuals affected with MYH6-related conditions. This variant is not present in population databases (gnomAD no frequency). This sequence change replaces leucine, which is neutral and non-polar, with phenylalanine, which is neutral and non-polar, at codon 1082 of the MYH6 protein (p.Leu1082Phe).

NM_002471.4(MYH6):c.3244C>T (p.Leu1082Phe)

Gene: MYH6 (myosin heavy chain 6; minus strand). Cytogenetic location: 14q11.2.
Variant type: single nucleotide variant.
Coding change: c.3244C>T on transcript NM_002471.4 (MANE Select); coding-DNA position 3244, C replaced by T.
Protein change: p.Leu1082Phe; replaces leucine 1082 with phenylalanine.
Molecular consequence: missense variant.
Genome position (GRCh38, 1-based): chr14:23,392,919, G>A on the plus strand (C>T on the coding strand, the complement: MYH6 is on the minus strand). VCF-style: chr14-23392919-G-A. GRCh37 (hg19) VCF-style: chr14-23862128-G-A.
Other names: short protein forms L1082F.
Identifiers: ClinVar variation 2051782 (VCV002051782.4), dbSNP rs2502167424, ClinGen allele CA389007543.
Genomic context (GRCh38, chr14:23,392,919, plus strand): 5'-TCTACCAGGCCAGACACCTCCATTAGCCCCTCCTGGCCACCACAGTCTCCTACTTCTTAA[G>A]CTTTTCTTCCAGCTGCAGTTTATCATTTTCCAGGTCCATGATGCTCTCCTGGGTCAGCTT-3'
Protein context (NP_002462.2, residues 1072-1092): ENDKLQLEEK[Leu1082Phe]KKKEFDINQQ